The following is an entry in ClinVar:

ClinVar aggregate classification (germline): Uncertain significance. Review status: criteria provided, multiple submitters, no conflicts (2 of 4 stars). 2 submissions from 2 submitters: Uncertain significance (2). Last evaluated 2023-08-01.

Conditions:
Hereditary cancer-predisposing syndrome. Also called: Neoplastic Syndromes, Hereditary; Tumor predisposition; Hereditary Cancer Syndrome; Hereditary neoplastic syndrome. Identifiers: Orphanet 140162, MedGen C0027672, MeSH D009386, MONDO:0015356.
Hereditary nonpolyposis colorectal neoplasms. Identifiers: MedGen C0009405, MeSH D003123.

Submissions (2):

Labcorp Genetics (formerly Invitae), Labcorp
Classification: Uncertain significance for Hereditary nonpolyposis colorectal neoplasms. Last evaluated: 2023-08-01. Review status: criteria provided, single submitter. Criteria: Invitae Variant Classification Sherloc (09022015). Collection method: clinical testing. Allele origin: germline.
Comment: This sequence change replaces asparagine, which is neutral and polar, with aspartic acid, which is acidic and polar, at codon 705 of the MSH6 protein (p.Asn705Asp). This variant is not present in population databases (gnomAD no frequency). This variant has not been reported in the literature in individuals affected with MSH6-related conditions. ClinVar contains an entry for this variant (Variation ID: 1786139). Advanced modeling of protein sequence and biophysical properties (such as structural, functional, and spatial information, amino acid conservation, physicochemical variation, residue mobility, and thermodynamic stability) performed at Invitae indicates that this missense variant is not expected to disrupt MSH6 protein function. In summary, the available evidence is currently insufficient to determine the role of this variant in disease. Therefore, it has been classified as a Variant of Uncertain Significance.

Ambry Genetics
Classification: Uncertain significance for Hereditary cancer-predisposing syndrome. Last evaluated: 2021-05-12. Review status: criteria provided, single submitter. Criteria: Ambry Variant Classification Scheme 2023. Collection method: clinical testing. Allele origin: germline.
Comment: The p.N705D variant (also known as c.2113A>G), located in coding exon 4 of the MSH6 gene, results from an A to G substitution at nucleotide position 2113. The asparagine at codon 705 is replaced by aspartic acid, an amino acid with highly similar properties. This amino acid position is highly conserved in available vertebrate species. In addition, the in silico prediction for this alteration is inconclusive. Since supporting evidence is limited at this time, the clinical significance of this alteration remains unclear.

NM_000179.3(MSH6):c.2113A>G (p.Asn705Asp)

Gene: MSH6 (mutS homolog 6; plus strand). Cytogenetic location: 2p16.3.
Variant type: single nucleotide variant.
Coding change: c.2113A>G on transcript NM_000179.3 (MANE Select); coding-DNA position 2113, A replaced by G.
Protein change: p.Asn705Asp; replaces asparagine 705 with aspartic acid.
Molecular consequence: missense variant.
Genome position (GRCh38, 1-based): chr2:47,800,096, A>G. VCF-style: chr2-47800096-A-G. GRCh37 (hg19) VCF-style: chr2-48027235-A-G.
Other names: c.1723A>G, p.Asn575Asp (NM_001281492.2); c.1207A>G, p.Asn403Asp (NM_001281493.2, NM_001281494.2, NM_001406811.1 and 6 more transcripts); c.2209A>G, p.Asn737Asp (NM_001406795.1, NM_001406802.1); c.2113A>G, p.Asn705Asp (NM_001406796.1, NM_001406798.1, NM_001406800.1 and 3 more transcripts); c.1816A>G, p.Asn606Asp (NM_001406797.1, NM_001406801.1, NM_001406805.1 and 10 more transcripts); c.1588A>G, p.Asn530Asp (NM_001406799.1, NM_001406806.1, NM_001406807.1); c.2035A>G, p.Asn679Asp (NM_001406804.1); c.2119A>G, p.Asn707Asp (NM_001406813.1); and 1 more; short protein forms N575D, N707D, N705D, N530D, N606D, N737D, N403D, N649D.
Identifiers: ClinVar variation 1786139 (VCV001786139.5), dbSNP rs1669422012, ClinGen allele CA346750949.